The following is an entry in ClinVar:

ClinVar aggregate classification (germline): Uncertain significance. Review status: criteria provided, multiple submitters, no conflicts (2 of 4 stars). 2 submissions from 2 submitters: Uncertain significance (2). Last evaluated 2023-06-13.

Conditions:
Bethlem myopathy 2 (BTHLM2). Identifiers: Orphanet 536516, Orphanet 610, MedGen C4225313, MONDO:0034022, OMIM 616471.
Ullrich congenital muscular dystrophy 2 (UCMD2). Identifiers: Orphanet 75840, MedGen C4225314, MONDO:0014654, OMIM 616470.

Allele frequency attached by ClinVar (database versions not stated): gnomAD exomes below 0.00001; gnomAD 0.00001; TOPMed 0.00001.
gnomAD v4.1: 2 of 1,613,956 alleles (0.00012%); highest among the groups gnomAD compares: African/African-American, 0.0027%; no homozygotes.

Submissions (2):

Labcorp Genetics (formerly Invitae), Labcorp
Classification: Uncertain significance for Bethlem myopathy 2; Ullrich congenital muscular dystrophy 2. Last evaluated: 2023-06-13. Review status: criteria provided, single submitter. Criteria: Invitae Variant Classification Sherloc (09022015). Collection method: clinical testing. Allele origin: germline.
Comment: This sequence change replaces valine, which is neutral and non-polar, with alanine, which is neutral and non-polar, at codon 2043 of the COL12A1 protein (p.Val2043Ala). This variant is not present in population databases (gnomAD no frequency). This variant has not been reported in the literature in individuals affected with COL12A1-related conditions. ClinVar contains an entry for this variant (Variation ID: 2440243). Advanced modeling of protein sequence and biophysical properties (such as structural, functional, and spatial information, amino acid conservation, physicochemical variation, residue mobility, and thermodynamic stability) has been performed at Invitae for this missense variant, however the output from this modeling did not meet the statistical confidence thresholds required to predict the impact of this variant on COL12A1 protein function. In summary, the available evidence is currently insufficient to determine the role of this variant in disease. Therefore, it has been classified as a Variant of Uncertain Significance.

Revvity Omics, Revvity
Classification: Uncertain significance. Last evaluated: 2019-08-30. Review status: criteria provided, single submitter. Criteria: ACMG Guidelines, 2015. Collection method: clinical testing. Allele origin: germline.

NM_004370.6(COL12A1):c.6128T>C (p.Val2043Ala)

Gene: COL12A1 (collagen type XII alpha 1 chain; minus strand). Cytogenetic location: 6q13.
Variant type: single nucleotide variant.
Coding change: c.6128T>C on transcript NM_004370.6 (MANE Select); coding-DNA position 6128, T replaced by C.
Protein change: p.Val2043Ala; replaces valine 2043 with alanine.
Molecular consequence: missense variant.
Genome position (GRCh38, 1-based): chr6:75,130,173, A>G on the plus strand (T>C on the coding strand, the complement: COL12A1 is on the minus strand). VCF-style: chr6-75130173-A-G. GRCh37 (hg19) VCF-style: chr6-75839889-A-G.
Other names: c.2636T>C, p.Val879Ala (NM_080645.3); short protein forms V2043A, V879A.
Identifiers: ClinVar variation 2440243 (VCV002440243.6), dbSNP rs1766232125, ClinGen allele CA364731106.